The following is an entry in ClinVar:

ClinVar aggregate classification (germline): Pathogenic (1 of 4 stars; one submission).

Conditions:
Hereditary cancer-predisposing syndrome. Also called: Hereditary Cancer Syndrome; Neoplastic Syndromes, Hereditary; Tumor predisposition; Hereditary neoplastic syndrome. Identifiers: Orphanet 140162, MedGen C0027672, MeSH D009386, MONDO:0015356.

Submission:

Ambry Genetics
Classification: Pathogenic for Hereditary cancer-predisposing syndrome. Last evaluated: 2021-03-23. Review status: criteria provided, single submitter. Criteria: Ambry Variant Classification Scheme 2023. Collection method: clinical testing. Allele origin: germline.
Comment: The c.5397delA pathogenic mutation, located in coding exon 24 of the DICER1 gene, results from a deletion of one nucleotide at nucleotide position 5397, causing a translational frameshift with a predicted alternate stop codon (p.E1800Rfs*38). This alteration is expected to result in loss of function by premature protein truncation or nonsense-mediated mRNA decay. As such, this alteration is interpreted as a disease-causing mutation.

NM_177438.3(DICER1):c.5397del (p.Glu1800fs)

Gene: DICER1 (dicer 1, ribonuclease III; minus strand). Cytogenetic location: 14q32.13.
Variant type: Deletion.
Coding change: c.5397del on transcript NM_177438.3 (MANE Select); coding-DNA position 5397, one base deleted (A; older notation c.5397delA).
Protein change: p.Glu1800fs; shifts the reading frame from glutamic acid 1800.
Molecular consequence: frameshift variant. On other transcripts: non-coding transcript variant (6), intron variant (1).
Genome position (GRCh38, 1-based): chr14:95,091,333, T deleted on the plus strand (A on the coding strand, the reverse complement: DICER1 is on the minus strand); the first of 2 consecutive T bases (chr14:95,091,333-95,091,334); deleting either gives the same sequence. VCF-style (leftmost placement, unchanged base first): chr14-95091332-CT-C. GRCh37 (hg19) VCF-style: chr14-95557669-CT-C.
Other names: c.5397del, p.Glu1800fs (NM_001271282.3, NM_001291628.2, NM_001395677.1 and 7 more transcripts); c.5396delA, p.Glu1800Argfs (NM_001395681.1); c.5115del, p.Glu1706fs (NM_001395686.1); c.4992del, p.Glu1665fs (NM_001395687.1, NM_001395688.1, NM_001395689.1 and 1 more transcripts); c.4830del, p.Glu1611fs (NM_001395691.1); c.3714del, p.Glu1239fs (NM_001395697.1); c.5365-224del (NM_001195573.1); c.5397delA (NM_177438.2); short protein forms E1611fs, E1665fs, E1706fs, E1239fs, E1800fs.
Identifiers: ClinVar variation 1747254 (VCV001747254.2), dbSNP rs2542407479, ClinGen allele CA2580089004.